The following is an entry in ClinVar:

ClinVar aggregate classification (germline): Uncertain significance. Review status: criteria provided, multiple submitters, no conflicts (2 of 4 stars). 2 submissions from 2 submitters: Uncertain significance (2). Last evaluated 2023-07-25.

Conditions:
KCNC2-related disorder.
Inborn genetic diseases. Identifiers: MedGen C0950123, MeSH D030342.

Allele frequency attached by ClinVar (database versions not stated): gnomAD exomes 0.00001.
gnomAD v4.1: 7 of 1,613,656 alleles (0.00043%); highest among the groups gnomAD compares: Non-Finnish European, 0.00059%; no homozygotes.

Submissions (2):

Ambry Genetics
Classification: Uncertain significance for Inborn genetic diseases. Last evaluated: 2023-07-25. Review status: criteria provided, single submitter. Criteria: Ambry Variant Classification Scheme 2023. Collection method: clinical testing. Allele origin: germline.

PreventionGenetics, part of Exact Sciences
Classification: Uncertain significance for KCNC2-related condition. Last evaluated: 2023-05-17. Review status: criteria provided, single submitter. Criteria: ACMG Guidelines, 2015. Collection method: clinical testing. Allele origin: germline.
Comment: The KCNC2 c.1526G>T variant is predicted to result in the amino acid substitution p.Cys509Phe. To our knowledge, this variant has not been reported in the literature. This variant is reported in 0.00088% of alleles in individuals of European (Non-Finnish) descent in gnomAD. At this time, the clinical significance of this variant is uncertain due to the absence of conclusive functional and genetic evidence.

NM_139137.4(KCNC2):c.1526G>T (p.Cys509Phe)

Gene: KCNC2 (potassium voltage-gated channel subfamily C member 2; minus strand). Cytogenetic location: 12q21.1.
Variant type: single nucleotide variant.
Coding change: c.1526G>T on transcript NM_139137.4 (MANE Select); coding-DNA position 1526, G replaced by T.
Protein change: p.Cys509Phe; replaces cysteine 509 with phenylalanine.
Molecular consequence: missense variant. On other transcripts: non-coding transcript variant (1).
Genome position (GRCh38, 1-based): chr12:75,050,479, C>A on the plus strand (G>T on the coding strand, the complement: KCNC2 is on the minus strand). VCF-style: chr12-75050479-C-A. GRCh37 (hg19) VCF-style: chr12-75444259-C-A.
Other names: c.1526G>T, p.Cys509Phe (NM_001260497.2, NM_001260498.2, NM_001260499.2 and 13 more transcripts); c.1526G>T (NM_139137.3); short protein forms C509F.
Identifiers: ClinVar variation 2614136 (VCV002614136.3), dbSNP rs1176921109, ClinGen allele CA385924913.